The following is an entry in ClinVar:

NM_000498.3(CYP11B2):c.390C>A (p.Phe130Leu)

Genes: CYP11B2 (cytochrome P450 family 11 subfamily B member 2; minus strand), LOC106799834 (CYP11B2 recombination region; plus strand). Cytogenetic location: 8q24.3.
Variant type: single nucleotide variant.
Coding change: c.390C>A on transcript NM_000498.3 (MANE Select); coding-DNA position 390, C replaced by A.
Protein change: p.Phe130Leu; replaces phenylalanine 130 with leucine.
Molecular consequence: missense variant.
Genome position (GRCh38, 1-based): chr8:142,917,064, G>T on the plus strand (C>A on the coding strand, the complement: CYP11B2 is on the minus strand). VCF-style: chr8-142917064-G-T. GRCh37 (hg19) VCF-style: chr8-143998480-G-T.
Other names: short protein forms F130L.
Identifiers: ClinVar variation 1058150 (VCV001058150.2), dbSNP rs773477950, ClinGen allele CA4906273.

ClinVar aggregate classification (germline): Uncertain significance (1 of 4 stars; one submission).

Allele frequency attached by ClinVar (database versions not stated): ExAC 0.00001; TOPMed 0.00001.

Submission:

Labcorp Genetics (formerly Invitae), Labcorp
Classification: Uncertain significance. Last evaluated: 2022-07-27. Review status: criteria provided, single submitter. Criteria: Invitae Variant Classification Sherloc (09022015). Collection method: clinical testing. Allele origin: germline.
Comment: This sequence change replaces phenylalanine, which is neutral and non-polar, with leucine, which is neutral and non-polar, at codon 130 of the CYP11B2 protein (p.Phe130Leu). This variant is present in population databases (rs773477950, gnomAD 0.003%). This variant has not been reported in the literature in individuals affected with CYP11B2-related conditions. ClinVar contains an entry for this variant (Variation ID: 1058150). Advanced modeling of protein sequence and biophysical properties (such as structural, functional, and spatial information, amino acid conservation, physicochemical variation, residue mobility, and thermodynamic stability) performed at Invitae indicates that this missense variant is not expected to disrupt CYP11B2 protein function. In summary, the available evidence is currently insufficient to determine the role of this variant in disease. Therefore, it has been classified as a Variant of Uncertain Significance.